The following is an entry in ClinVar:

ClinVar aggregate classification (germline): Uncertain significance (1 of 4 stars; one submission).

Submission:

Labcorp Genetics (formerly Invitae), Labcorp
Classification: Uncertain significance. Last evaluated: 2023-02-16. Review status: criteria provided, single submitter. Criteria: Invitae Variant Classification Sherloc (09022015). Collection method: clinical testing. Allele origin: germline.
Comment: This variant, c.279_284del, results in the deletion of 2 amino acid(s) of the KMT2A protein (p.Ser97_Ser98del), but otherwise preserves the integrity of the reading frame. This variant is not present in population databases (gnomAD no frequency). This variant has not been reported in the literature in individuals affected with KMT2A-related conditions. Experimental studies and prediction algorithms are not available or were not evaluated, and the functional significance of this variant is currently unknown. In summary, the available evidence is currently insufficient to determine the role of this variant in disease. Therefore, it has been classified as a Variant of Uncertain Significance.

NM_001197104.2(KMT2A):c.273TTCGTC[1] (p.Ser97_Ser98del)

Gene: KMT2A (lysine methyltransferase 2A; plus strand). Cytogenetic location: 11q23.3.
Variant type: Microsatellite.
Coding change: c.273TTCGTC[1] on transcript NM_001197104.2 (MANE Select); one copy of the 6-base unit TTCGTC starting at c.273; the reference has two copies in a row; one copy, 6 bases deleted.
Protein change: p.Ser97_Ser98del.
Molecular consequence: inframe deletion.
Genome position (GRCh38, 1-based): chr11:118,436,791-118,436,796, TTCGTC deleted; deleting any 6 consecutive bases within chr11:118,436,780-118,436,796 gives the same sequence; the position shown is the placement nearest the transcript's 3' end. VCF-style (leftmost placement, unchanged base first): chr11-118436779-CTCGTCT-C. GRCh37 (hg19) VCF-style: chr11-118307494-CTCGTCT-C.
Other names: c.273TTCGTC[1], p.Ser97_Ser98del (NM_001412597.1, NM_005933.4).
Identifiers: ClinVar variation 2978735 (VCV002978735.3), dbSNP rs781793601, ClinGen allele CA2574995230.